The following is an entry in ClinVar:

ClinVar aggregate classification (germline): Likely benign. Review status: criteria provided, multiple submitters, no conflicts (2 of 4 stars). 4 submissions from 4 submitters: Likely benign (4). Last evaluated 2025-09-01.

Conditions:
Inborn genetic diseases. Identifiers: MedGen C0950123, MeSH D030342.

Allele frequency attached by ClinVar (database versions not stated): ExAC 0.00005; gnomAD exomes 0.00007 and 0.00015; gnomAD 0.00008 and 0.00009; TOPMed 0.00008; ESP Exome Variant Server 0.00031.
gnomAD v4.1: 233 of 1,539,324 alleles (0.015%); highest among the groups gnomAD compares: Non-Finnish European, 0.018%; no homozygotes.

Submissions (4):

CeGaT Center for Human Genetics Tuebingen
Classification: Likely benign. Last evaluated: 2025-09-01. Review status: criteria provided, single submitter. Criteria: CeGaT Center For Human Genetics Tuebingen Variant Classification Criteria Version 2. Collection method: clinical testing. Allele origin: germline. Affected: yes. Observed: 3 variant alleles.
Comment: CTCF: BP4, BP7

GeneDx
Classification: Likely benign. Last evaluated: 2020-11-04. Review status: criteria provided, single submitter. Criteria: GeneDx Variant Classification Process June 2021. Collection method: clinical testing. Allele origin: germline. Affected: yes.

Labcorp Genetics (formerly Invitae), Labcorp
Classification: Likely benign. Last evaluated: 2018-05-30. Review status: criteria provided, single submitter. Criteria: Invitae Variant Classification Sherloc (09022015). Collection method: clinical testing. Allele origin: germline.

Ambry Genetics
Classification: Likely benign for Inborn genetic diseases. Last evaluated: 2016-06-27. Review status: criteria provided, single submitter. Criteria: Ambry Variant Classification Scheme 2023. Collection method: clinical testing. Allele origin: germline.

NM_006565.4(CTCF):c.84C>T (p.Arg28=)

Gene: CTCF (CCCTC-binding factor; plus strand). Cytogenetic location: 16q22.1.
Variant type: single nucleotide variant.
Coding change: c.84C>T on transcript NM_006565.4 (MANE Select); coding-DNA position 84, C replaced by T.
Protein change: p.Arg28=; no amino-acid change (arginine 28 retained).
Molecular consequence: synonymous variant. On other transcripts: intron variant (1).
Genome position (GRCh38, 1-based): chr16:67,610,916, C>T. VCF-style: chr16-67610916-C-T. GRCh37 (hg19) VCF-style: chr16-67644819-C-T.
Other names: c.84C>T, p.Arg28= (NM_001363916.2); c.-32-5829C>T (NM_001191022.2).
Identifiers: ClinVar variation 589295 (VCV000589295.33), dbSNP rs371652969, ClinGen allele CA8112459.